The following is an entry in ClinVar:

ClinVar aggregate classification (germline): Uncertain significance. Review status: criteria provided, multiple submitters, no conflicts (2 of 4 stars). 2 submissions from 2 submitters: Uncertain significance (2). Last evaluated 2026-02-20.

Conditions:
Hereditary cancer-predisposing syndrome. Also called: Tumor predisposition; Hereditary neoplastic syndrome; Neoplastic Syndromes, Hereditary; Hereditary Cancer Syndrome. Identifiers: Orphanet 140162, MedGen C0027672, MeSH D009386, MONDO:0015356.
Familial cancer of breast. Also called: BREAST CANCER, FAMILIAL; hereditary breast carcinoma; Hereditary breast cancer. Identifiers: Orphanet 227535, MedGen C0346153, MONDO:0016419, OMIM 114480. Disease mechanism: loss of function.

Submissions (2):

Ambry Genetics
Classification: Uncertain significance for Hereditary cancer-predisposing syndrome. Last evaluated: 2026-02-20. Review status: criteria provided, single submitter. Criteria: Ambry Variant Classification Scheme 2023. Collection method: clinical testing. Allele origin: germline.
Comment: The c.1684G>A variant (also known as p.G562R), located in coding exon 4 of the PALB2 gene, results from a G to A substitution at nucleotide position 1684. The amino acid change results in glycine to arginine at codon 562, an amino acid with dissimilar properties. This nucleotide position is well conserved in available vertebrate species. This amino acid position is well conserved in available vertebrate species. In silico splice site analysis predicts that this alteration will weaken the native splice donor site. In addition, this alteration is predicted to be tolerated by in silico analysis. Based on the available evidence, the clinical significance of this variant remains unclear.

Labcorp Genetics (formerly Invitae), Labcorp
Classification: Uncertain significance for Familial cancer of breast. Last evaluated: 2025-01-08. Review status: criteria provided, single submitter. Criteria: Invitae Variant Classification Sherloc (09022015). Collection method: clinical testing. Allele origin: germline.
Comment: This sequence change replaces glycine, which is neutral and non-polar, with arginine, which is basic and polar, at codon 562 of the PALB2 protein (p.Gly562Arg). This variant also falls at the last nucleotide of exon 4, which is part of the consensus splice site for this exon. This variant is not present in population databases (gnomAD no frequency). This variant has not been reported in the literature in individuals affected with PALB2-related conditions. ClinVar contains an entry for this variant (Variation ID: 185516). An algorithm developed to predict the effect of missense changes on protein structure and function outputs the following: PolyPhen-2: "Benign". The arginine amino acid residue is found in multiple mammalian species, which suggests that this missense change does not adversely affect protein function. Variants that disrupt the consensus splice site are a relatively common cause of aberrant splicing (PMID: 17576681, 9536098). Algorithms developed to predict the effect of sequence changes on RNA splicing suggest that this variant may disrupt the consensus splice site. In summary, the available evidence is currently insufficient to determine the role of this variant in disease. Therefore, it has been classified as a Variant of Uncertain Significance.

Literature cited by the submitters: PubMed 17576681 (cited by Labcorp Genetics (formerly Invitae), Labcorp); PubMed 9536098 (cited by Labcorp Genetics (formerly Invitae), Labcorp).

NM_024675.4(PALB2):c.1684G>A (p.Gly562Arg)

Gene: PALB2 (partner and localizer of BRCA2; minus strand). Cytogenetic location: 16p12.2.
Variant type: single nucleotide variant.
Coding change: c.1684G>A on transcript NM_024675.4 (MANE Select); coding-DNA position 1684, G replaced by A.
Protein change: p.Gly562Arg; replaces glycine 562 with arginine.
Molecular consequence: missense variant.
Genome position (GRCh38, 1-based): chr16:23,634,862, C>T on the plus strand (G>A on the coding strand, the complement: PALB2 is on the minus strand). VCF-style: chr16-23634862-C-T. GRCh37 (hg19) VCF-style: chr16-23646183-C-T.
Other names: short protein forms G562R.
Identifiers: ClinVar variation 185516 (VCV000185516.15), dbSNP rs786202239, ClinGen allele CA192164.